The following is an entry in ClinVar:

NM_003239.5(TGFB3):c.1081-14A>G

Gene: TGFB3 (transforming growth factor beta 3; minus strand). Cytogenetic location: 14q24.3.
Variant type: single nucleotide variant.
Coding change: c.1081-14A>G on transcript NM_003239.5 (MANE Select); 14 bases into the intron before coding-DNA position 1081, A replaced by G.
Molecular consequence: intron variant.
Genome position (GRCh38, 1-based): chr14:75,959,359, T>C on the plus strand (A>G on the coding strand, the complement: TGFB3 is on the minus strand). VCF-style: chr14-75959359-T-C. GRCh37 (hg19) VCF-style: chr14-76425702-T-C.
Other names: c.1081-14A>G (NM_001329939.2).
Identifiers: ClinVar variation 314448 (VCV000314448.10), dbSNP rs201379167, ClinGen allele CA7280269.

ClinVar aggregate classification (germline): Benign/Likely benign. Review status: criteria provided, multiple submitters, no conflicts (2 of 4 stars). 3 submissions from 3 submitters: Benign (1); Likely benign (2). Last evaluated 2026-05-04.

Conditions:
Rienhoff syndrome. Also called: LOEYS-DIETZ SYNDROME 5. Identifiers: MedGen C3810012, MONDO:0014262, OMIM 615582.

Allele frequency attached by ClinVar (database versions not stated): gnomAD 0.00005 and 0.00004; TOPMed 0.00005; gnomAD exomes 0.00005 and 0.00011; ExAC 0.00007.

Submissions (3):

Women's Health and Genetics/Laboratory Corporation of America, LabCorp
Classification: Likely benign. Last evaluated: 2026-05-04. Review status: criteria provided, single submitter. Criteria: LabCorp Variant Classification Summary - May 2015. Collection method: clinical testing. Allele origin: germline.

Labcorp Genetics (formerly Invitae), Labcorp
Classification: Benign for Rienhoff syndrome. Last evaluated: 2026-01-02. Review status: criteria provided, single submitter. Criteria: Invitae Variant Classification Sherloc (09022015). Collection method: clinical testing. Allele origin: germline.

GeneDx
Classification: Likely benign. Last evaluated: 2018-01-23. Review status: criteria provided, single submitter. Criteria: GeneDx Variant Classification (06012015). Collection method: clinical testing. Allele origin: germline. Affected: yes.
Comment: This variant is considered likely benign or benign based on one or more of the following criteria: it is a conservative change, it occurs at a poorly conserved position in the protein, it is predicted to be benign by multiple in silico algorithms, and/or has population frequency not consistent with disease.